The following is an entry in ClinVar:

ClinVar aggregate classification (germline): Uncertain significance (1 of 4 stars; one submission).

Conditions:
2-aminoadipic 2-oxoadipic aciduria (AAKAD). Also called: Aminoadipic aciduria; ALPHA-AMINOADIPIC AND ALPHA-KETOADIPIC ACIDURIA. Identifiers: Orphanet 79154, MedGen C1859817, MONDO:0008774, OMIM 204750.

Submission:

Labcorp Genetics (formerly Invitae), Labcorp
Classification: Uncertain significance for 2-aminoadipic 2-oxoadipic aciduria. Last evaluated: 2022-06-13. Review status: criteria provided, single submitter. Criteria: Invitae Variant Classification Sherloc (09022015). Collection method: clinical testing. Allele origin: germline.
Comment: This variant is not present in population databases (gnomAD no frequency). This sequence change replaces histidine, which is basic and polar, with asparagine, which is neutral and polar, at codon 859 of the DHTKD1 protein (p.His859Asn). This variant has not been reported in the literature in individuals affected with DHTKD1-related conditions. In summary, the available evidence is currently insufficient to determine the role of this variant in disease. Therefore, it has been classified as a Variant of Uncertain Significance. Algorithms developed to predict the effect of missense changes on protein structure and function (SIFT, PolyPhen-2, Align-GVGD) all suggest that this variant is likely to be tolerated.

NM_018706.7(DHTKD1):c.2575C>A (p.His859Asn)

Gene: DHTKD1 (dehydrogenase E1 and transketolase domain containing 1; plus strand). Cytogenetic location: 10p14.
Variant type: single nucleotide variant.
Coding change: c.2575C>A on transcript NM_018706.7 (MANE Select); coding-DNA position 2575, C replaced by A.
Protein change: p.His859Asn; replaces histidine 859 with asparagine.
Molecular consequence: missense variant.
Genome position (GRCh38, 1-based): chr10:12,120,184, C>A. VCF-style: chr10-12120184-C-A. GRCh37 (hg19) VCF-style: chr10-12162183-C-A.
Other names: short protein forms H859N.
Identifiers: ClinVar variation 1403073 (VCV001403073.8), dbSNP rs769419156, ClinGen allele CA376016977.